The following is an entry in ClinVar:

ClinVar aggregate classification (germline): Benign. Review status: criteria provided, multiple submitters, no conflicts (2 of 4 stars). 2 submissions from 2 submitters: Benign (2). Last evaluated 2018-01-12.

Conditions:
Hemochromatosis type 4 (HFE4). Also called: HEMOCHROMATOSIS DUE TO DEFECT IN FERROPORTIN; HEMOCHROMATOSIS, AUTOSOMAL DOMINANT; Ferroportin disease. Identifiers: Orphanet 139491, Orphanet 647834, Orphanet 648562, MedGen C1853733, MONDO:0011631, OMIM 606069.

Allele frequency attached by ClinVar (database versions not stated): 1000 Genomes Project 30x 0.09135; 1000 Genomes Project 0.08626; gnomAD 0.08823 and 0.08328; TOPMed 0.09470; gnomAD exomes 0.00701.
gnomAD v4.1: 12,634 of 152,620 alleles (8.3%); highest among the groups gnomAD compares: African/African-American, 24%; 1,298 homozygotes.

Submissions (2):

Illumina Laboratory Services, Illumina
Classification: Benign for Hemochromatosis type 4. Last evaluated: 2018-01-12. Review status: criteria provided, single submitter. Criteria: ICSL Variant Classification Criteria 13 December 2019. Collection method: clinical testing. Allele origin: germline.
Comment: This variant was observed in the ICSL laboratory as part of a predisposition screen in an ostensibly healthy population. It had not been previously curated by ICSL or reported in the Human Gene Mutation Database (HGMD: prior to June 1st, 2018), and was therefore a candidate for classification through an automated scoring system. Utilizing variant allele frequency, disease prevalence and penetrance estimates, and inheritance mode, an automated score was calculated to assess if this variant is too frequent to cause the disease. Based on the score and internal cut-off values, a variant classified as benign is not then subjected to further curation. The score for this variant resulted in a classification of benign for this disease.

Breakthrough Genomics
Classification: Benign. Review status: criteria provided, single submitter. Criteria: ACMG Guidelines, 2015. Collection method: not provided. Allele origin: germline. Inheritance: Autosomal dominant inheritance. Affected: yes.

NM_014585.6(SLC40A1):c.*1130A>G

Gene: SLC40A1 (solute carrier family 40 member 1; minus strand). Cytogenetic location: 2q32.2.
Variant type: single nucleotide variant.
Coding change: c.*1130A>G on transcript NM_014585.6 (MANE Select); 1130 bases downstream of the stop codon, A replaced by G.
Molecular consequence: 3 prime UTR variant.
Genome position (GRCh38, 1-based): chr2:189,560,748, T>C on the plus strand (A>G on the coding strand, the complement: SLC40A1 is on the minus strand). VCF-style: chr2-189560748-T-C. GRCh37 (hg19) VCF-style: chr2-190425474-T-C.
Identifiers: ClinVar variation 333153 (VCV000333153.6), dbSNP rs11539983, ClinGen allele CA10613319.
Genomic context (GRCh38, chr2:189,560,748, plus strand): 5'-TAAACTCCAAGGATAAAGAAAGTGCTCATAGCAACGTATTGCAGTCTCCATGAAAGTGCA[T>C]ATAAACGGTTAAGGCAAAGTACCATCTTGGTACAGACATGTTGCAAACTGACTTTTAAAA-3'